The following is an entry in ClinVar:

NM_001042492.3(NF1):c.6665C>T (p.Thr2222Met)

Gene: NF1 (neurofibromin 1; plus strand). Cytogenetic location: 17q11.2.
Variant type: single nucleotide variant.
Coding change: c.6665C>T on transcript NM_001042492.3 (MANE Select); coding-DNA position 6665, C replaced by T.
Protein change: p.Thr2222Met; replaces threonine 2222 with methionine.
Molecular consequence: missense variant.
Genome position (GRCh38, 1-based): chr17:31,337,841, C>T. VCF-style: chr17-31337841-C-T. GRCh37 (hg19) VCF-style: chr17-29664859-C-T.
Other names: c.6602C>T, p.Thr2201Met (NM_000267.4); short protein forms T2201M, T2222M.
Identifiers: ClinVar variation 186514 (VCV000186514.22), dbSNP rs369803831, ClinGen allele CA195062.

ClinVar aggregate classification (germline): Conflicting classifications of pathogenicity. Review status: criteria provided, conflicting classifications (1 of 4 stars). 9 submissions from 8 submitters: Uncertain significance (6); Likely benign (3). Last evaluated 2026-01-19.

Conditions:
NF1-related disorder. Also called: NF1-related condition. Identifiers: MedGen CN379171.
Cardiovascular phenotype. Identifiers: MedGen CN230736.
Hereditary cancer-predisposing syndrome. Also called: Neoplastic Syndromes, Hereditary; Tumor predisposition; Hereditary neoplastic syndrome; Hereditary Cancer Syndrome. Identifiers: Orphanet 140162, MedGen C0027672, MeSH D009386, MONDO:0015356.
Juvenile myelomonocytic leukemia (JMML). Also called: LEUKEMIA, JUVENILE MYELOMONOCYTIC, SOMATIC. Identifiers: Orphanet 86834, MedGen C0349639, MONDO:0011908, OMIM 607785, HP:0012209.
Neurofibromatosis-Noonan syndrome (NFNS). Also called: NEUROFIBROMATOSIS WITH NOONAN PHENOTYPE. Identifiers: Orphanet 638, MedGen C2931482, MONDO:0011035, OMIM 601321. Disease mechanism: loss of function.
Café-au-lait macules with pulmonary stenosis (WTSN). Also called: PULMONIC STENOSIS WITH CAFE-AU-LAIT SPOTS. Identifiers: MedGen C0553586, MONDO:0008672, OMIM 193520.
Neurofibromatosis, familial spinal (FSNF). Identifiers: Orphanet 636, MedGen C1834235, MONDO:0008078, OMIM 162210. Disease mechanism: loss of function.
Neurofibromatosis, type 1 (NF1). Also called: VON RECKLINGHAUSEN DISEASE; Peripheral type neurofibromatosis; Neurofibromatosis, type I; NEUROFIBROMATOSIS, TYPE I, SOMATIC. Identifiers: Orphanet 636, MedGen C0027831, MONDO:0018975, OMIM 162200. Disease mechanism: loss of function.

Allele frequency attached by ClinVar (database versions not stated): gnomAD 0.00001; gnomAD exomes 0.00001 and 0.00002; ExAC 0.00004; ESP Exome Variant Server 0.00008.
gnomAD v4.1: 24 of 1,613,822 alleles (0.0015%); highest among the groups gnomAD compares: Middle Eastern, 0.033%; 1 homozygote.

Submissions (9):

Labcorp Genetics (formerly Invitae), Labcorp
Classification: Likely benign for Neurofibromatosis, type 1. Last evaluated: 2026-01-19. Review status: criteria provided, single submitter. Criteria: Invitae Variant Classification Sherloc (09022015). Collection method: clinical testing. Allele origin: germline.

PreventionGenetics, part of Exact Sciences
Classification: Likely benign for NF1-related condition. Last evaluated: 2025-12-30. Review status: criteria provided, single submitter. Criteria: ACMG Guidelines, 2015. Collection method: clinical testing. Allele origin: germline.
Comment: This variant is classified as likely benign based on ACMG/AMP sequence variant interpretation guidelines (Richards et al. 2015 PMID: 25741868, with internal and published modifications).

Blueprint Genetics
Classification: Uncertain significance. Last evaluated: 2023-11-16. Review status: criteria provided, single submitter. Criteria: ACMG Guidelines, 2015. Collection method: clinical testing. Allele origin: germline.

Genome-Nilou Lab
Classification: Uncertain significance for Neurofibromatosis, type 1. Last evaluated: 2022-03-15. Review status: criteria provided, single submitter. Criteria: ACMG Guidelines, 2015. Collection method: clinical testing. Allele origin: germline. Affected: no.

Fulgent Genetics
Classification: Uncertain significance for Neurofibromatosis, type 1; Neurofibromatosis, familial spinal; Café-au-lait macules with pulmonary stenosis; Neurofibromatosis-Noonan syndrome; Juvenile myelomonocytic leukemia. Last evaluated: 2021-12-15. Review status: criteria provided, single submitter. Criteria: ACMG Guidelines, 2015. Collection method: clinical testing. Allele origin: unknown.

Sema4
Classification: Uncertain significance for Hereditary cancer-predisposing syndrome. Last evaluated: 2021-09-07. Review status: criteria provided, single submitter. Criteria: Sema4 Curation Guidelines. Collection method: curation. Allele origin: germline.
Comment: The NF1 c.6602C>T (p.T2201M) variant has not been reported in the literature to our knowledge. It was observed in 4/30608 chromosomes of the South Asian subpopulation in the large and broad cohorts of the Genome Aggregation Database (PMID: 32461654). The variant has been reported in ClinVar (Variation ID: 186514). Functional studies have not been performed, and in silico predictions of the variant's effect on protein function are inconclusive. The evidence is insufficient to meet ACMG/AMP criteria for classifying the variant as benign or pathogenic. Thus, the clinical significance of this variant is currently uncertain.

Ambry Genetics
Classification: Likely benign for Cardiovascular phenotype; Hereditary cancer-predisposing syndrome. Last evaluated: 2021-04-12. Review status: criteria provided, single submitter. Criteria: Ambry Variant Classification Scheme 2023. Collection method: clinical testing. Allele origin: germline.

GeneDx
Classification: Uncertain significance. Last evaluated: 2020-05-20. Review status: criteria provided, single submitter. Criteria: GeneDx Variant Classification Process June 2021. Collection method: clinical testing. Allele origin: germline. Affected: yes.
Comment: Reported in one control subject in a breast cancer case-control study, but was not observed in any of the cases (Momozawa 2018); In silico analysis, which includes protein predictors and evolutionary conservation, supports that this variant does not alter protein structure/function; This variant is associated with the following publications: (PMID: 30287823)

Ambry Genetics
Classification: Uncertain significance for Hereditary cancer-predisposing syndrome. Last evaluated: 2016-03-18. Review status: criteria provided, single submitter. Criteria: Ambry Autosomal Dominant and X-Linked criteria (10/2015). Collection method: clinical testing. Allele origin: germline. Observed: 1 variant allele.
Comment: The p.T2222M variant (also known as c.6665C>T), located in coding exon 44 of the NF1 gene, results from a C to T substitution at nucleotide position 6665. The threonine at codon 2222 is replaced by methionine, an amino acid with similar properties. This variant was previously reported in the SNPDatabase as rs369803831. Based on data from the NHLBI Exome Sequencing Project (ESP), the T allele has an overall frequency of approximately 0.01% (1/13004) total alleles studied, having been observed in 0.02% (1/4404) African American alleles. To date, this alteration has been detected with an allele frequency of approximately 0.004% (greater than 110000 alleles tested) in our clinical cohort.This amino acid position is well conserved in available vertebrate species. In addition, this alteration is predicted to be tolerated by in silico analysis.Since supporting evidence is limited at this time, the clinical significance of this alteration remains unclear.